The following is an entry in ClinVar:

ClinVar aggregate classification (germline): Conflicting classifications of pathogenicity. Review status: criteria provided, conflicting classifications (1 of 4 stars). 2 submissions from 2 submitters: Uncertain significance (1); Likely benign (1). Last evaluated 2024-03-11.

Conditions:
Loeys-Dietz syndrome 2 (LDS2). Also called: Marfan Syndrome type 2; Marfan like connective tissue disorder; MFS 2; Marfan syndrome, type 2 (formerly); TGFBR2-Related Loeys-Dietz Syndrome; AORTIC ANEURYSM, FAMILIAL THORACIC 3. Identifiers: Orphanet 284973, Orphanet 558, MedGen C2674574, MONDO:0012427, OMIM 610168.

Allele frequency attached by ClinVar (database versions not stated): gnomAD exomes 0.00001 and 0.00004; TOPMed 0.00001; ExAC 0.00007.
gnomAD v4.1: 15 of 1,608,070 alleles (0.00093%); highest among the groups gnomAD compares: Admixed American, 0.015%; no homozygotes.

Submissions (2):

Labcorp Genetics (formerly Invitae), Labcorp
Classification: Uncertain significance for Loeys-Dietz syndrome 2. Last evaluated: 2024-03-11. Review status: criteria provided, single submitter. Criteria: Invitae Variant Classification Sherloc (09022015). Collection method: clinical testing. Allele origin: germline.
Comment: This sequence change replaces alanine, which is neutral and non-polar, with valine, which is neutral and non-polar, at codon 590 of the TMPO protein (p.Ala590Val). This variant is present in population databases (rs763238672, gnomAD 0.01%). This variant has not been reported in the literature in individuals affected with TMPO-related conditions. ClinVar contains an entry for this variant (Variation ID: 1041560). Advanced modeling of protein sequence and biophysical properties (such as structural, functional, and spatial information, amino acid conservation, physicochemical variation, residue mobility, and thermodynamic stability) performed at Invitae indicates that this missense variant is not expected to disrupt TMPO protein function with a negative predictive value of 80%. In summary, the available evidence is currently insufficient to determine the role of this variant in disease. Therefore, it has been classified as a Variant of Uncertain Significance.

Ambry Genetics
Classification: Likely benign. Last evaluated: 2023-01-05. Review status: criteria provided, single submitter. Criteria: Ambry Variant Classification Scheme 2023. Collection method: clinical testing. Allele origin: germline.

NM_001032283.3(TMPO):c.565+2188C>T

Gene: TMPO (thymopoietin; plus strand). Cytogenetic location: 12q23.1.
Variant type: single nucleotide variant.
Coding change: c.565+2188C>T on transcript NM_001032283.3 (MANE Select); 2188 bases into the intron after coding-DNA position 565, C replaced by T.
Molecular consequence: intron variant. On other transcripts: missense variant (1).
Genome position (GRCh38, 1-based): chr12:98,534,026, C>T. VCF-style: chr12-98534026-C-T. GRCh37 (hg19) VCF-style: chr12-98927804-C-T.
Other names: c.1769C>T, p.Ala590Val (NM_003276.2); c.565+2188C>T (NM_001307975.2, NM_001032284.3); short protein forms A590V.
Identifiers: ClinVar variation 1041560 (VCV001041560.13), dbSNP rs763238672, ClinGen allele CA6732480.